The following is an entry in ClinVar:

NM_000245.4(MET):c.2014G>A (p.Gly672Ser)

Gene: MET (MET proto-oncogene, receptor tyrosine kinase; plus strand). Cytogenetic location: 7q31.2.
Variant type: single nucleotide variant.
Coding change: c.2014G>A on transcript NM_000245.4 (MANE Select); coding-DNA position 2014, G replaced by A.
Protein change: p.Gly672Ser; replaces glycine 672 with serine.
Molecular consequence: missense variant.
Genome position (GRCh38, 1-based): chr7:116,757,686, G>A. VCF-style: chr7-116757686-G-A. GRCh37 (hg19) VCF-style: chr7-116397740-G-A.
Other names: c.2014G>A, p.Gly672Ser (NM_001127500.3, NM_001324401.3); c.724G>A, p.Gly242Ser (NM_001324402.2); short protein forms G242S, G672S.
Identifiers: ClinVar variation 2444554 (VCV002444554.1), dbSNP rs746388251, ClinGen allele CA368979749.
Genomic context (GRCh38, chr7:116,757,686, plus strand): 5'-TCTCCCCTCCAGGATCCTGTAATAACAAGTATTTCGCCGAAATACGGTCCTATGGCTGGT[G>A]GCACTTTACTTACTTTAACTGGAAATTACCTAAACAGTGGGAATTCTAGACACATTTCAA-3'
Protein context (NP_000236.2, residues 662-682): ISPKYGPMAG[Gly672Ser]TLLTLTGNYL

ClinVar aggregate classification (germline): Uncertain significance (1 of 4 stars; one submission).

Submission:

GeneDx
Classification: Uncertain significance. Last evaluated: 2022-09-15. Review status: criteria provided, single submitter. Criteria: GeneDx Variant Classification Process June 2021. Collection method: clinical testing. Allele origin: germline. Affected: yes.
Comment: Not observed at significant frequency in large population cohorts (gnomAD); In silico analysis supports that this missense variant has a deleterious effect on protein structure/function; Has not been previously published as pathogenic or benign to our knowledge